The following is an entry in ClinVar:

NM_001375567.1(FOCAD):c.1191C>T (p.His397=)

Gene: FOCAD (focadhesin; plus strand). Cytogenetic location: 9p21.3.
Variant type: single nucleotide variant.
Coding change: c.1191C>T on transcript NM_001375567.1 (MANE Select); coding-DNA position 1191, C replaced by T.
Protein change: p.His397=; no amino-acid change (histidine 397 retained).
Molecular consequence: synonymous variant.
Genome position (GRCh38, 1-based): chr9:20,781,923, C>T. VCF-style: chr9-20781923-C-T. GRCh37 (hg19) VCF-style: chr9-20781922-C-T.
Other names: c.1191C>T (NM_017794.4); c.1191C>T, p.His397= (NM_001375568.1, NM_017794.5); c.1086C>T, p.His362= (NM_001375570.1).
Identifiers: ClinVar variation 2853535 (VCV002853535.6), dbSNP rs7038826, ClinGen allele CA5006632.

ClinVar aggregate classification (germline): Benign/Likely benign. Review status: criteria provided, multiple submitters, no conflicts (2 of 4 stars). 3 submissions from 3 submitters: Benign (1); Likely benign (1). 1 of the submissions does not count toward it. Last evaluated 2026-01-04.

Conditions:
FOCAD-related disorder. Also called: FOCAD-related condition.

Allele frequency attached by ClinVar (database versions not stated): gnomAD exomes 0.00058; ExAC 0.00194; 1000 Genomes Project 30x 0.00500; 1000 Genomes Project 0.00519; gnomAD 0.00563; TOPMed 0.00611; ESP Exome Variant Server 0.00853.
gnomAD v4.1: 1,743 of 1,613,422 alleles (0.11%); highest among the groups gnomAD compares: African/African-American, 2.1%; 11 homozygotes.

Submissions (3):

Labcorp Genetics (formerly Invitae), Labcorp
Classification: Benign. Last evaluated: 2026-01-04. Review status: criteria provided, single submitter. Criteria: Invitae Variant Classification Sherloc (09022015). Collection method: clinical testing. Allele origin: germline.

Blueprint Genetics
Classification: Likely benign. Last evaluated: 2024-11-26. Review status: criteria provided, single submitter. Criteria: ACMG Guidelines, 2015. Collection method: clinical testing. Allele origin: germline.

PreventionGenetics, part of Exact Sciences
Classification: Benign for FOCAD-related condition. Last evaluated: 2019-09-30. Review status: no assertion criteria provided. Collection method: clinical testing. Allele origin: germline. Not counted in ClinVar's aggregate classification.
Comment: This variant is classified as benign based on ACMG/AMP sequence variant interpretation guidelines (Richards et al. 2015 PMID: 25741868, with internal and published modifications).